The following is an entry in ClinVar:

ClinVar aggregate classification (germline): Uncertain significance. Review status: criteria provided, multiple submitters, no conflicts (2 of 4 stars). 2 submissions from 2 submitters: Uncertain significance (2). Last evaluated 2024-02-17.

Conditions:
Peripheral neuropathy. Also called: Neuropathy. Identifiers: MedGen C0031117, MONDO:0005244, HP:0009830.

Allele frequency attached by ClinVar (database versions not stated): gnomAD 0.00001 and 0.00003; ExAC 0.00002; gnomAD exomes 0.00002; TOPMed 0.00003; 1000 Genomes Project 0.00040; 1000 Genomes Project 30x 0.00047.
gnomAD v4.1: 18 of 1,587,122 alleles (0.0011%); highest among the groups gnomAD compares: East Asian, 0.031%; no homozygotes.

Submissions (2):

Ambry Genetics
Classification: Uncertain significance. Last evaluated: 2024-02-17. Review status: criteria provided, single submitter. Criteria: Ambry Variant Classification Scheme 2023. Collection method: clinical testing. Allele origin: germline.

Labcorp Genetics (formerly Invitae), Labcorp
Classification: Uncertain significance for Peripheral neuropathy. Last evaluated: 2018-02-19. Review status: criteria provided, single submitter. Criteria: Invitae Variant Classification Sherloc (09022015). Collection method: clinical testing. Allele origin: germline.
Comment: This variant has not been reported in the literature in individuals with FLRT1-related disease. In summary, the available evidence is currently insufficient to determine the role of this variant in disease. Therefore, it has been classified as a Variant of Uncertain Significance. Algorithms developed to predict the effect of missense changes on protein structure and function (SIFT, PolyPhen-2, Align-GVGD) all suggest that this variant is likely to be tolerated, but these predictions have not been confirmed by published functional studies and their clinical significance is uncertain. This variant is present in population databases (rs550871684, ExAC 0.02%). This sequence change replaces isoleucine with threonine at codon 669 of the FLRT1 protein (p.Ile669Thr). The isoleucine residue is moderately conserved and there is a moderate physicochemical difference between isoleucine and threonine.

NM_013280.5(FLRT1):c.2006T>C (p.Ile669Thr)

Genes: FLRT1 (fibronectin leucine rich transmembrane protein 1; plus strand), MACROD1 (mono-ADP ribosylhydrolase 1; minus strand). Cytogenetic location: 11q13.1.
Variant type: single nucleotide variant.
Coding change: c.2006T>C on transcript NM_013280.5 (MANE Select); coding-DNA position 2006, T replaced by C.
Protein change: p.Ile669Thr; replaces isoleucine 669 with threonine.
Molecular consequence: missense variant. On other transcripts: intron variant (2).
Genome position (GRCh38, 1-based): chr11:64,118,273, T>C. VCF-style: chr11-64118273-T-C. GRCh37 (hg19) VCF-style: chr11-63885745-T-C.
Other names: c.2006T>C, p.Ile669Thr (NM_001384466.1); c.1922T>C, p.Ile641Thr (NM_001423967.1); c.517+32966A>G (NM_001411019.1, NM_014067.4); short protein forms I669T, I641T.
Identifiers: ClinVar variation 1003977 (VCV001003977.10), dbSNP rs550871684, ClinGen allele CA6067856.